The following is an entry in ClinVar:

NM_004519.4(KCNQ3):c.1140+6T>C

Gene: KCNQ3 (potassium voltage-gated channel subfamily Q member 3; minus strand). Cytogenetic location: 8q24.22.
Variant type: single nucleotide variant.
Coding change: c.1140+6T>C on transcript NM_004519.4 (MANE Select); 6 bases into the intron after coding-DNA position 1140, T replaced by C.
Molecular consequence: intron variant.
Genome position (GRCh38, 1-based): chr8:132,172,592, A>G on the plus strand (T>C on the coding strand, the complement: KCNQ3 is on the minus strand). VCF-style: chr8-132172592-A-G. GRCh37 (hg19) VCF-style: chr8-133184839-A-G.
Other names: c.780+6T>C (NM_001204824.2).
Identifiers: ClinVar variation 3691569 (VCV003691569.2).

ClinVar aggregate classification (germline): Uncertain significance (1 of 4 stars; one submission).

Conditions:
Benign neonatal seizures. Also called: Convulsions benign familial neonatal dominant form; Autosomal dominant form of benign neonatal seizures; Benign familial neonatal seizures; Benign neonatal familial convulsions; Benign familial neonatal epilepsy. Identifiers: Orphanet 1949, MedGen C0220669, MONDO:0016027.

gnomAD v4.1: 1 of 1,612,522 alleles (0.000062%); highest among the groups gnomAD compares: Non-Finnish European, 0.000085%; no homozygotes.

Submission:

Labcorp Genetics (formerly Invitae), Labcorp
Classification: Uncertain significance for Benign neonatal seizures. Last evaluated: 2024-07-08. Review status: criteria provided, single submitter. Criteria: Invitae Variant Classification Sherloc (09022015). Collection method: clinical testing. Allele origin: germline.
Comment: This sequence change falls in intron 7 of the KCNQ3 gene. It does not directly change the encoded amino acid sequence of the KCNQ3 protein. It affects a nucleotide within the consensus splice site. This variant is not present in population databases (gnomAD no frequency). This variant has not been reported in the literature in individuals affected with KCNQ3-related conditions. Variants that disrupt the consensus splice site are a relatively common cause of aberrant splicing (PMID: 17576681, 9536098). Algorithms developed to predict the effect of sequence changes on RNA splicing suggest that this variant is not likely to affect RNA splicing. In summary, the available evidence is currently insufficient to determine the role of this variant in disease. Therefore, it has been classified as a Variant of Uncertain Significance.

Literature cited by the submitters: PubMed 17576681; PubMed 9536098.